The following is an entry in ClinVar:

ClinVar aggregate classification (germline): Likely benign (0 of 4 stars; one submission).

Conditions:
DNAH17-related disorder. Also called: DNAH17-related condition.

Allele frequency attached by ClinVar (database versions not stated): gnomAD exomes 0.00005; ExAC 0.00011; 1000 Genomes Project 30x 0.00016; 1000 Genomes Project 0.00020; gnomAD 0.00028; ESP Exome Variant Server 0.00031; TOPMed 0.00031.
gnomAD v4.1: 146 of 1,613,998 alleles (0.009%); highest among the groups gnomAD compares: African/African-American, 0.1%; 2 homozygotes.

Submission:

PreventionGenetics, part of Exact Sciences
Classification: Likely benign for DNAH17-related condition. Last evaluated: 2020-01-07. Review status: no assertion criteria provided. Collection method: clinical testing. Allele origin: germline.
Comment: This variant is classified as likely benign based on ACMG/AMP sequence variant interpretation guidelines (Richards et al. 2015 PMID: 25741868, with internal and published modifications).

NM_173628.4(DNAH17):c.5238C>T (p.Asn1746=)

Genes: DNAH17 (dynein axonemal heavy chain 17; minus strand), DNAH17-AS1 (DNAH17 antisense RNA 1; plus strand). Cytogenetic location: 17q25.3.
Variant type: single nucleotide variant.
Coding change: c.5238C>T on transcript NM_173628.4 (MANE Select); coding-DNA position 5238, C replaced by T.
Protein change: p.Asn1746=; no amino-acid change (asparagine 1746 retained).
Molecular consequence: synonymous variant. On other transcripts: non-coding transcript variant (1).
Genome position (GRCh38, 1-based): chr17:78,501,826, G>A on the plus strand (C>T on the coding strand, the complement: DNAH17 is on the minus strand). VCF-style: chr17-78501826-G-A. GRCh37 (hg19) VCF-style: chr17-76497908-G-A.
Identifiers: ClinVar variation 3051349 (VCV003051349.2), dbSNP rs375040214, ClinGen allele CA8803358.
Genomic context (GRCh38, chr17:78,501,826, plus strand): 5'-CACGTCCCGTGCGTGCACATCGATGGTGCAGATGGTCATGATCTTCATCCTGTCGCCAGC[G>A]TTGAGGTTCCCCATGAGCAGCGTGATGAGTACGTTCAGCTGGCTAATCTGCGGGGGAGAG-3'
Protein context (NP_775899.3, residues 1736-1756): VLITLLMGNL[Asn1746=]AGDRMKIMTI